The following is an entry in ClinVar:

ClinVar aggregate classification (germline): Likely benign (1 of 4 stars; one submission).

Conditions:
Exercise-induced hyperinsulinism (HHF7). Identifiers: Orphanet 165991, MedGen C1864902, MONDO:0012396, OMIM 610021.

Allele frequency attached by ClinVar (database versions not stated): 1000 Genomes Project 0.01058; 1000 Genomes Project 30x 0.01140; TOPMed 0.00752; gnomAD exomes 0.00077.

Submission:

Illumina Laboratory Services, Illumina
Classification: Likely benign for Exercise-induced hyperinsulinism. Last evaluated: 2018-01-12. Review status: criteria provided, single submitter. Criteria: ICSL Variant Classification Criteria 13 December 2019. Collection method: clinical testing. Allele origin: germline.
Comment: This variant was observed in the ICSL laboratory as part of a predisposition screen in an ostensibly healthy population. It had not been previously curated by ICSL or reported in the Human Gene Mutation Database (HGMD: prior to June 1st, 2018), and was therefore a candidate for classification through an automated scoring system. Utilizing variant allele frequency, disease prevalence and penetrance estimates, and inheritance mode, an automated score was calculated to assess if this variant is too frequent to cause the disease. Based on the score and internal cut-off values, a variant classified as likely benign is not then subjected to further curation. The score for this variant resulted in a classification of likely benign for this disease.

NM_003051.3(SLC16A1):c.-249C>G

Genes: SLC16A1 (solute carrier family 16 member 1; minus strand), LOC129931218 (ATAC-STARR-seq lymphoblastoid silent region 1207; plus strand). Cytogenetic location: 1p13.2.
Variant type: single nucleotide variant.
Coding change: c.-249C>G on transcript NM_003051.3; 249 bases upstream of the start codon, C replaced by G.
Genome position (GRCh38, 1-based): chr1:112,956,239, G>C on the plus strand (C>G on the coding strand, the complement: SLC16A1 is on the minus strand). VCF-style: chr1-112956239-G-C. GRCh37 (hg19) VCF-style: chr1-113498861-G-C.
Identifiers: ClinVar variation 291919 (VCV000291919.7), dbSNP rs60953496, ClinGen allele CA10607527.